The following is an entry in ClinVar:

NM_020822.3(KCNT1):c.1260_1269dup (p.Leu424fs)

Gene: KCNT1 (potassium sodium-activated channel subfamily T member 1; plus strand). Cytogenetic location: 9q34.3.
Variant type: Duplication.
Coding change: c.1260_1269dup on transcript NM_020822.3 (MANE Select); coding-DNA positions 1260 to 1269, 10 bases duplicated (GCAGATCCCT; older notation c.1260_1269dupGCAGATCCCT).
Protein change: p.Leu424fs; shifts the reading frame from leucine 424.
Molecular consequence: frameshift variant.
Genome position (GRCh38, 1-based): chr9:135,765,683-135,765,692, GCAGATCCCT duplicated; duplicating any 10 consecutive bases within chr9:135,765,680-135,765,692 gives the same sequence; the c. name uses the placement nearest the transcript's 3' end. VCF-style (leftmost placement, unchanged base first): chr9-135765679-T-TCCTGCAGATC. GRCh37 (hg19) VCF-style: chr9-138657525-T-TCCTGCAGATC.
Other names: c.1125_1134dup, p.Leu379fs (NM_001272003.2); short protein forms L379fs, L424fs.
Identifiers: ClinVar variation 2037260 (VCV002037260.4), dbSNP rs2490908490, ClinGen allele CA2580080060.

ClinVar aggregate classification (germline): Uncertain significance (1 of 4 stars; one submission).

Conditions:
Developmental and epileptic encephalopathy, 14 (DEE14). Also called: Early infantile epileptic encephalopathy 14. Identifiers: Orphanet 293181, MedGen C3554195, MONDO:0013989, OMIM 614959.
Autosomal dominant nocturnal frontal lobe epilepsy 5. Also called: Epilepsy, nocturnal frontal lobe, 5; CILIARY DYSKINESIA, PRIMARY, 28, WITH SITUS INVERSUS; CILIARY DYSKINESIA, PRIMARY, 28, WITHOUT SITUS INVERSUS; KCNT1-Related Epilepsy. Identifiers: Orphanet 98784, MedGen C3554306, MONDO:0014002, OMIM 615005.

Submission:

Labcorp Genetics (formerly Invitae), Labcorp
Classification: Uncertain significance for Autosomal dominant nocturnal frontal lobe epilepsy 5; Developmental and epileptic encephalopathy, 14. Last evaluated: 2021-12-08. Review status: criteria provided, single submitter. Criteria: Invitae Variant Classification Sherloc (09022015). Collection method: clinical testing. Allele origin: germline.
Comment: In summary, the available evidence is currently insufficient to determine the role of this variant in disease. Therefore, it has been classified as a Variant of Uncertain Significance. Algorithms developed to predict the effect of sequence changes on RNA splicing suggest that this variant may create or strengthen a splice site. This variant has not been reported in the literature in individuals affected with KCNT1-related conditions. This variant is not present in population databases (gnomAD no frequency). This sequence change creates a premature translational stop signal (p.Leu424Alafs*75) in the KCNT1 gene. It is expected to result in an absent or disrupted protein product. However, the current clinical and genetic evidence is not sufficient to establish whether loss-of-function variants in KCNT1 cause disease.